The following is an entry in ClinVar:

ClinVar aggregate classification (germline): Uncertain significance (1 of 4 stars; one submission).

Conditions:
Autosomal recessive limb-girdle muscular dystrophy type R18 (LGMDR18). Also called: Autosomal recessive limb-girdle muscular dystrophy type 2S; Limb-girdle muscular dystrophy, type 2S; MUSCULAR DYSTROPHY, LIMB-GIRDLE, AUTOSOMAL RECESSIVE 18. Identifiers: Orphanet 369840, MedGen C4517996, MONDO:0014144, OMIM 615356.

Allele frequency attached by ClinVar (database versions not stated): gnomAD exomes below 0.00001; gnomAD 0.00001; TOPMed 0.00001; ExAC 0.00002.
gnomAD v4.1: 3 of 1,607,892 alleles (0.00019%); highest among the groups gnomAD compares: Non-Finnish European, 0.00026%; no homozygotes.

Submission:

Labcorp Genetics (formerly Invitae), Labcorp
Classification: Uncertain significance for Autosomal recessive limb-girdle muscular dystrophy type R18. Last evaluated: 2022-06-15. Review status: criteria provided, single submitter. Criteria: Invitae Variant Classification Sherloc (09022015). Collection method: clinical testing. Allele origin: germline.
Comment: This sequence change affects codon 402 of the TRAPPC11 mRNA. It is a 'silent' change, meaning that it does not change the encoded amino acid sequence of the TRAPPC11 protein. It affects a nucleotide within the consensus splice site. This variant is present in population databases (rs780121865, gnomAD 0.003%). This variant has not been reported in the literature in individuals affected with TRAPPC11-related conditions. Algorithms developed to predict the effect of sequence changes on RNA splicing suggest that this variant may disrupt the consensus splice site. In summary, the available evidence is currently insufficient to determine the role of this variant in disease. Therefore, it has been classified as a Variant of Uncertain Significance.

NM_021942.6(TRAPPC11):c.1206A>G (p.Leu402=)

Gene: TRAPPC11 (trafficking protein particle complex subunit 11; plus strand). Cytogenetic location: 4q35.1.
Variant type: single nucleotide variant.
Coding change: c.1206A>G on transcript NM_021942.6 (MANE Select); coding-DNA position 1206, A replaced by G.
Protein change: p.Leu402=; no amino-acid change (leucine 402 retained).
Molecular consequence: synonymous variant.
Genome position (GRCh38, 1-based): chr4:183,682,824, A>G. VCF-style: chr4-183682824-A-G. GRCh37 (hg19) VCF-style: chr4-184603977-A-G.
Other names: c.1206A>G, p.Leu402= (NM_199053.3).
Identifiers: ClinVar variation 2150609 (VCV002150609.1), dbSNP rs780121865, ClinGen allele CA3151819.
Genomic context (GRCh38, chr4:183,682,824, plus strand): 5'-AGAAACACAAACAGGCGTTCTTGACTTTTATGGACAAAGATCATGGCGACAAGGAATACT[A>G]AGTAAATAATTTTTCCCTCTGTCCTTTCCTCTCAACCTCAAAAGGCAACAATAGCTATAA-3'
Protein context (NP_068761.4, residues 392-412): YGQRSWRQGI[Leu402=]SFDLSDPEKE